The following is an entry in ClinVar:

ClinVar aggregate classification (germline): Uncertain significance. Review status: criteria provided, multiple submitters, no conflicts (2 of 4 stars). 2 submissions from 2 submitters: Uncertain significance (2). Last evaluated 2022-01-27.

Conditions:
Hereditary nonpolyposis colorectal neoplasms. Identifiers: MedGen C0009405, MeSH D003123.
Hereditary cancer-predisposing syndrome. Also called: Neoplastic Syndromes, Hereditary; Hereditary Cancer Syndrome; Tumor predisposition; Hereditary neoplastic syndrome. Identifiers: Orphanet 140162, MedGen C0027672, MeSH D009386, MONDO:0015356.

Submissions (2):

Labcorp Genetics (formerly Invitae), Labcorp
Classification: Uncertain significance for Hereditary nonpolyposis colorectal neoplasms. Last evaluated: 2022-01-27. Review status: criteria provided, single submitter. Criteria: Invitae Variant Classification Sherloc (09022015). Collection method: clinical testing. Allele origin: germline.
Comment: Experimental studies and prediction algorithms are not available or were not evaluated, and the functional significance of this variant is currently unknown. In summary, the available evidence is currently insufficient to determine the role of this variant in disease. Therefore, it has been classified as a Variant of Uncertain Significance. ClinVar contains an entry for this variant (Variation ID: 485884). This variant has not been reported in the literature in individuals affected with MSH6-related conditions. This variant is not present in population databases (gnomAD no frequency). This sequence change creates a premature translational stop signal (p.Val1336Glyfs*12) in the MSH6 gene. While this is not anticipated to result in nonsense mediated decay, it is expected to disrupt the last 25 amino acid(s) of the MSH6 protein.

Ambry Genetics
Classification: Uncertain significance for Hereditary cancer-predisposing syndrome. Last evaluated: 2017-06-13. Review status: criteria provided, single submitter. Criteria: Ambry Variant Classification Scheme 2023. Collection method: clinical testing. Allele origin: germline.
Comment: The c.4002_4006dupGGAAG variant, located in coding exon 10 of the MSH6 gene, results from a duplication of GGAAG at nucleotide position 4002, causing a translational frameshift with a predicted alternate stop codon (p.V1336Gfs*12). Premature stop codons are typically deleterious in nature, however, this stop codon occurs at the 3' terminus of MSH6, is not expected to trigger nonsense-mediated mRNA decay, and removes only the last 14 amino acids of the protein. The exact functional impact of these removed amino acids is unknown at this time. Since supporting evidence is limited at this time, the clinical significance of this alteration remains unclear.

NM_001406801.1(MSH6):c.3705-5_3705-1dup

Gene: MSH6 (mutS homolog 6; plus strand). Cytogenetic location: 2p16.3.
Variant type: Duplication.
Coding change: c.3705-5_3705-1dup on transcript NM_001406801.1; 5 bases into the intron before coding-DNA position 3705 through the canonical splice acceptor site of the intron before coding-DNA position 3705, 5 bases duplicated (GGAAG; older notation c.3705-5_3705-1dupGGAAG).
Molecular consequence: splice acceptor variant.
Genome position (GRCh38, 1-based): chr2:47,806,779-47,806,783, GGAAG duplicated; duplicating any 5 consecutive bases within chr2:47,806,776-47,806,783 gives the same sequence; the c. name uses the placement nearest the transcript's 3' end. VCF-style (leftmost placement, unchanged base first): chr2-47806775-T-TAAGGG. GRCh37 (hg19) VCF-style: chr2-48033914-T-TAAGGG.
Other names: c.4002-5_4002-1dup (NM_001406808.1); c.3705-5_3705-1dup (NM_001406822.1); c.4002_4006dup (NM_000179.2).
Identifiers: ClinVar variation 485884 (VCV000485884.52), ClinGen allele CA658655786.